The following is an entry in ClinVar:

ClinVar aggregate classification (germline): Likely benign. Review status: criteria provided, multiple submitters, no conflicts (2 of 4 stars). 2 submissions from 2 submitters: Likely benign (2). Last evaluated 2025-11-10.

gnomAD v4.1: 112 of 1,613,382 alleles (0.0069%); highest among the groups gnomAD compares: Non-Finnish European, 0.0083%; no homozygotes.

Submissions (2):

Women's Health and Genetics/Laboratory Corporation of America, LabCorp
Classification: Likely benign. Last evaluated: 2025-11-10. Review status: criteria provided, single submitter. Criteria: LabCorp Variant Classification Summary - May 2015. Collection method: clinical testing. Allele origin: germline.
Comment: Variant summary: NBEAL2 c.6054C>A alters a non-conserved nucleotide resulting in a synonymous change. Consensus agreement among computation tools predict no significant impact on normal splicing. However, these predictions have yet to be confirmed by functional studies. The variant allele was found at a frequency of 4.8e-05 in 249084 control chromosomes. This frequency is not significantly higher than estimated for disease-causing variants in NBEAL2, allowing no conclusion about variant significance. To our knowledge, no occurrence of c.6054C>A in individuals affected with NBEAL2-related conditions and no experimental evidence demonstrating its impact on protein function have been reported. No submitters have cited clinical-significance assessments for this variant to ClinVar. Based on the evidence outlined above, the variant was classified as likely benign.

Blueprint Genetics
Classification: Likely benign. Last evaluated: 2022-02-03. Review status: criteria provided, single submitter. Criteria: ACMG Guidelines, 2015. Collection method: clinical testing. Allele origin: germline.

NM_015175.3(NBEAL2):c.6054C>A (p.Pro2018=)

Gene: NBEAL2 (neurobeachin like 2; plus strand). Cytogenetic location: 3p21.31.
Variant type: single nucleotide variant.
Coding change: c.6054C>A on transcript NM_015175.3 (MANE Select); coding-DNA position 6054, C replaced by A.
Protein change: p.Pro2018=; no amino-acid change (proline 2018 retained).
Molecular consequence: synonymous variant.
Genome position (GRCh38, 1-based): chr3:47,004,249, C>A. VCF-style: chr3-47004249-C-A. GRCh37 (hg19) VCF-style: chr3-47045739-C-A.
Other names: c.5952C>A, p.Pro1984= (NM_001365116.2).
Identifiers: ClinVar variation 4536899 (VCV004536899.2).